The following is an entry in ClinVar:

ClinVar aggregate classification (germline): Uncertain significance (1 of 4 stars; one submission).

gnomAD v4.1: 8 of 1,613,278 alleles (0.0005%); highest among the groups gnomAD compares: South Asian, 0.0088%; no homozygotes.

Submission:

CeGaT Center for Human Genetics Tuebingen
Classification: Uncertain significance. Last evaluated: 2026-05-01. Review status: criteria provided, single submitter. Criteria: CeGaT Center For Human Genetics Tuebingen Variant Classification Criteria Version 2. Collection method: clinical testing. Allele origin: germline. Affected: yes. Observed: 1 variant allele.
Comment: PREPL: PM2, BP4

NM_001171613.2(PREPL):c.-49+1708G>C

Gene: PREPL (prolyl endopeptidase like; minus strand). Cytogenetic location: 2p21.
Variant type: single nucleotide variant.
Coding change: c.-49+1708G>C on transcript NM_001171613.2 (MANE Select); 1708 bases into the intron after 49 bases upstream of the start codon, G replaced by C.
Molecular consequence: intron variant. On other transcripts: missense variant (7).
Genome position (GRCh38, 1-based): chr2:44,359,672, C>G on the plus strand (G>C on the coding strand, the complement: PREPL is on the minus strand). VCF-style: chr2-44359672-C-G. GRCh37 (hg19) VCF-style: chr2-44586811-C-G.
Other names: c.44G>C, p.Ser15Thr (NM_001042385.2, NM_001042386.2, NM_001171603.1 and 4 more transcripts); c.-49+1852G>C (NM_001171617.1); c.-49+1745G>C (NM_001374277.1); short protein forms S15T.
Identifiers: ClinVar variation 4873579 (VCV004873579.2).
Genomic context (GRCh38, chr2:44,359,672, plus strand): 5'-TCAGCGAAGTTATAGTGATTCAAATGCTGTTTCTGCATGCATTTTCCAAGGTGAGGAATA[C>G]TATACTTCAAAGCTTGGAGAAATAATTTGGTCTTCTGCTGCATGATATCAAAGTCCCTGG-3'